The following is an entry in ClinVar:

NM_014855.3(AP5Z1):c.2189C>T (p.Ala730Val)

Gene: AP5Z1 (adaptor related protein complex 5 subunit zeta 1; plus strand). Cytogenetic location: 7p22.1.
Variant type: single nucleotide variant.
Coding change: c.2189C>T on transcript NM_014855.3 (MANE Select); coding-DNA position 2189, C replaced by T.
Protein change: p.Ala730Val; replaces alanine 730 with valine.
Molecular consequence: missense variant. On other transcripts: non-coding transcript variant (1).
Genome position (GRCh38, 1-based): chr7:4,791,150, C>T. VCF-style: chr7-4791150-C-T. GRCh37 (hg19) VCF-style: chr7-4830781-C-T.
Other names: c.2189C>T, p.Ala730Val (LRG_1247t1); c.1721C>T, p.Ala574Val (NM_001364858.1); short protein forms A730V, A574V.
Identifiers: ClinVar variation 538862 (VCV000538862.7), dbSNP rs750683459, ClinGen allele CA4138371.

ClinVar aggregate classification (germline): Uncertain significance. Review status: criteria provided, multiple submitters, no conflicts (2 of 4 stars). 2 submissions from 2 submitters: Uncertain significance (2). Last evaluated 2025-09-10.

Conditions:
Hereditary spastic paraplegia 48. Also called: SPASTIC PARAPLEGIA 48, AUTOSOMAL RECESSIVE; Spastic paraplegia 48. Identifiers: Orphanet 306511, MedGen C3150901, MONDO:0013342, OMIM 613647.
Inborn genetic diseases. Identifiers: MedGen C0950123, MeSH D030342.

Allele frequency attached by ClinVar (database versions not stated): ExAC 0.00001; gnomAD 0.00001; gnomAD exomes 0.00001 and 0.00008; TOPMed 0.00002.
gnomAD v4.1: 120 of 1,608,656 alleles (0.0075%); highest among the groups gnomAD compares: Non-Finnish European, 0.01%; no homozygotes.

Submissions (2):

Ambry Genetics
Classification: Uncertain significance for Inborn genetic diseases. Last evaluated: 2025-09-10. Review status: criteria provided, single submitter. Criteria: Ambry Variant Classification Scheme 2023. Collection method: clinical testing. Allele origin: germline.

Labcorp Genetics (formerly Invitae), Labcorp
Classification: Uncertain significance for Hereditary spastic paraplegia 48. Last evaluated: 2021-09-02. Review status: criteria provided, single submitter. Criteria: Invitae Variant Classification Sherloc (09022015). Collection method: clinical testing. Allele origin: germline.
Comment: This sequence change replaces alanine with valine at codon 730 of the AP5Z1 protein (p.Ala730Val). The alanine residue is moderately conserved and there is a small physicochemical difference between alanine and valine. This variant is present in population databases (rs750683459, ExAC 0.002%). This variant has not been reported in the literature in individuals affected with AP5Z1-related conditions. Algorithms developed to predict the effect of missense changes on protein structure and function (SIFT, PolyPhen-2, Align-GVGD) all suggest that this variant is likely to be tolerated. In summary, the available evidence is currently insufficient to determine the role of this variant in disease. Therefore, it has been classified as a Variant of Uncertain Significance.